The following is an entry in ClinVar:

ClinVar aggregate classification (germline): Uncertain significance (1 of 4 stars; one submission).

Allele frequency attached by ClinVar (database versions not stated): gnomAD 0.00001; ExAC 0.00002; gnomAD exomes 0.00002; TOPMed 0.00003.
gnomAD v4.1: 12 of 1,560,482 alleles (0.00077%); highest among the groups gnomAD compares: Middle Eastern, 0.017%; no homozygotes.

Submission:

GeneDx
Classification: Uncertain significance. Last evaluated: 2019-10-02. Review status: criteria provided, single submitter. Criteria: GeneDx Variant Classification Process June 2021. Collection method: clinical testing. Allele origin: germline. Affected: yes.
Comment: Not observed at a significant frequency in large population cohorts (Lek et al., 2016); In silico analysis, which includes protein predictors and evolutionary conservation, supports that this variant does not alter protein structure/function; Has not been previously published as pathogenic or benign to our knowledge

NM_001375405.1(CEP120):c.1403T>C (p.Ile468Thr)

Gene: CEP120 (centrosomal protein 120; minus strand). Cytogenetic location: 5q23.2.
Variant type: single nucleotide variant.
Coding change: c.1403T>C on transcript NM_001375405.1 (MANE Select); coding-DNA position 1403, T replaced by C.
Protein change: p.Ile468Thr; replaces isoleucine 468 with threonine.
Molecular consequence: missense variant. On other transcripts: non-coding transcript variant (1).
Genome position (GRCh38, 1-based): chr5:123,388,459, A>G on the plus strand (T>C on the coding strand, the complement: CEP120 is on the minus strand). VCF-style: chr5-123388459-A-G. GRCh37 (hg19) VCF-style: chr5-122724153-A-G.
Other names: c.1325T>C, p.Ile442Thr (NM_001166226.2); c.1268T>C, p.Ile423Thr (NM_001375406.1); c.1403T>C, p.Ile468Thr (NM_001375407.1, NM_153223.4); c.830T>C, p.Ile277Thr (NM_001375408.1, NM_001375409.1); short protein forms I277T, I423T, I442T, I468T.
Identifiers: ClinVar variation 1308860 (VCV001308860.2), dbSNP rs777637331, ClinGen allele CA3386988.